The following is an entry in ClinVar:

ClinVar aggregate classification (germline): Conflicting classifications of pathogenicity. Review status: criteria provided, conflicting classifications (1 of 4 stars). 5 submissions from 5 submitters: Uncertain significance (2); Likely benign (3). Last evaluated 2023-06-09.

Conditions:
Cardiovascular phenotype. Identifiers: MedGen CN230736.
Arrhythmogenic right ventricular dysplasia 5. Also called: Arrhythmogenic Right Ventricular Dysplasia/Cardiomyopathy 5; ARRHYTHMOGENIC RIGHT VENTRICULAR DYSPLASIA, FAMILIAL, 5. Identifiers: MedGen C1858379, MONDO:0011459, OMIM 604400.
Cardiomyopathy (CMYO). Also called: Cardiomyopathies. Identifiers: Orphanet 167848, MedGen C0878544, MONDO:0004994, HP:0001638. Inheritance: Various modes of inheritance.

Allele frequency attached by ClinVar (database versions not stated): gnomAD 0.00002; TOPMed 0.00003; 1000 Genomes Project 30x 0.00047.
gnomAD v4.1: 75 of 1,613,688 alleles (0.0046%); highest among the groups gnomAD compares: South Asian, 0.065%; no homozygotes.

Submissions (5):

Labcorp Genetics (formerly Invitae), Labcorp
Classification: Uncertain significance for Arrhythmogenic right ventricular dysplasia 5. Last evaluated: 2023-06-09. Review status: criteria provided, single submitter. Criteria: Invitae Variant Classification Sherloc (09022015). Collection method: clinical testing. Allele origin: germline.
Comment: In summary, the available evidence is currently insufficient to determine the role of this variant in disease. Therefore, it has been classified as a Variant of Uncertain Significance. An algorithm developed to predict the effect of missense changes on protein structure and function (PolyPhen-2) suggests that this variant¬†is likely to be tolerated. ClinVar contains an entry for this variant (Variation ID: 629431). This variant has not been reported in the literature in individuals affected with TMEM43-related conditions. This variant is present in population databases (rs201085402, gnomAD 0.07%), and has an allele count higher than expected for a pathogenic variant. This sequence change replaces arginine, which is basic and polar, with tryptophan, which is neutral and slightly polar, at codon 11 of the TMEM43 protein (p.Arg11Trp).

Ambry Genetics
Classification: Likely benign for Cardiovascular phenotype. Last evaluated: 2022-03-04. Review status: criteria provided, single submitter. Criteria: Ambry Variant Classification Scheme 2023. Collection method: clinical testing. Allele origin: germline.

Blueprint Genetics
Classification: Likely benign. Last evaluated: 2020-10-23. Review status: criteria provided, single submitter. Criteria: ACMG Guidelines, 2015. Collection method: clinical testing. Allele origin: germline.

Color Diagnostics, LLC DBA Color Health
Classification: Likely benign for Cardiomyopathy. Last evaluated: 2020-08-27. Review status: criteria provided, single submitter. Criteria: ACMG Guidelines, 2015. Collection method: clinical testing. Allele origin: germline.

Revvity Omics, Revvity
Classification: Uncertain significance. Last evaluated: 2019-04-24. Review status: criteria provided, single submitter. Criteria: ACMG Guidelines, 2015. Collection method: clinical testing. Allele origin: germline.

NM_024334.3(TMEM43):c.31C>T (p.Arg11Trp)

Gene: TMEM43 (transmembrane protein 43; plus strand). Cytogenetic location: 3p25.1.
Variant type: single nucleotide variant.
Coding change: c.31C>T on transcript NM_024334.3 (MANE Select); coding-DNA position 31, C replaced by T.
Protein change: p.Arg11Trp; replaces arginine 11 with tryptophan.
Molecular consequence: missense variant.
Genome position (GRCh38, 1-based): chr3:14,129,430, C>T. VCF-style: chr3-14129430-C-T. GRCh37 (hg19) VCF-style: chr3-14170930-C-T.
Other names: short protein forms R11W.
Identifiers: ClinVar variation 629431 (VCV000629431.16), dbSNP rs201085402, ClinGen allele CA052872.